The following is an entry in ClinVar:

NM_001349253.2(SCN11A):c.261T>A (p.Asn87Lys)

Gene: SCN11A (sodium voltage-gated channel alpha subunit 11; minus strand). Cytogenetic location: 3p22.2.
Variant type: single nucleotide variant.
Coding change: c.261T>A on transcript NM_001349253.2 (MANE Select); coding-DNA position 261, T replaced by A.
Protein change: p.Asn87Lys; replaces asparagine 87 with lysine.
Molecular consequence: missense variant.
Genome position (GRCh38, 1-based): chr3:38,950,102, A>T on the plus strand (T>A on the coding strand, the complement: SCN11A is on the minus strand). VCF-style: chr3-38950102-A-T. GRCh37 (hg19) VCF-style: chr3-38991593-A-T.
Other names: c.261T>A, p.Asn87Lys (NM_014139.3); short protein forms N87K.
Identifiers: ClinVar variation 647695 (VCV000647695.5), dbSNP rs1575328552, ClinGen allele CA352176461.

ClinVar aggregate classification (germline): Uncertain significance (1 of 4 stars; one submission).

Conditions:
Hereditary sensory and autonomic neuropathy type 7. Also called: HSAN VII; Neuropathy, hereditary sensory and autonomic, type VII. Identifiers: Orphanet 391397, MedGen C3809882, MONDO:0014244, OMIM 615548.
Familial episodic pain syndrome with predominantly lower limb involvement. Also called: Episodic pain syndrome, familial, 3. Identifiers: Orphanet 391384, Orphanet 391392, MedGen C3809899, MONDO:0014247, OMIM 615552.

Submission:

Labcorp Genetics (formerly Invitae), Labcorp
Classification: Uncertain significance for Familial episodic pain syndrome with predominantly lower limb involvement; Hereditary sensory and autonomic neuropathy type 7. Last evaluated: 2022-01-31. Review status: criteria provided, single submitter. Criteria: Invitae Variant Classification Sherloc (09022015). Collection method: clinical testing. Allele origin: germline.
Comment: In summary, the available evidence is currently insufficient to determine the role of this variant in disease. Therefore, it has been classified as a Variant of Uncertain Significance. Algorithms developed to predict the effect of missense changes on protein structure and function are either unavailable or do not agree on the potential impact of this missense change (SIFT: "Deleterious"; PolyPhen-2: "Benign"; Align-GVGD: "Class C0"). ClinVar contains an entry for this variant (Variation ID: 647695). This variant has not been reported in the literature in individuals affected with SCN11A-related conditions. This variant is not present in population databases (gnomAD no frequency). This sequence change replaces asparagine, which is neutral and polar, with lysine, which is basic and polar, at codon 87 of the SCN11A protein (p.Asn87Lys).